The following is an entry in ClinVar:

ClinVar aggregate classification (germline): Uncertain significance (1 of 4 stars; one submission).

Conditions:
Hereditary spastic paraplegia 11. Also called: SPASTIC PARAPLEGIA, AUTOSOMAL RECESSIVE, COMPLICATED, WITH THIN CORPUS CALLOSUM; SPASTIC PARAPLEGIA, AUTOSOMAL RECESSIVE, WITH MENTAL IMPAIRMENT AND THIN CORPUS CALLOSUM; Spastic paraplegia, mental retardation and thin corpus callosum; Spastic Paraplegia 11; Nakamura Osame syndrome; Autosomal recessive hereditary spastic paraplegia, mental impairment, and thin corpus callosum. Identifiers: Orphanet 2822, MedGen C1858479, MONDO:0011445, OMIM 604360.

Submission:

Labcorp Genetics (formerly Invitae), Labcorp
Classification: Uncertain significance for Hereditary spastic paraplegia 11. Last evaluated: 2022-06-06. Review status: criteria provided, single submitter. Criteria: Invitae Variant Classification Sherloc (09022015). Collection method: clinical testing. Allele origin: germline.
Comment: This sequence change replaces alanine, which is neutral and non-polar, with threonine, which is neutral and polar, at codon 1586 of the SPG11 protein (p.Ala1586Thr). This variant is not present in population databases (gnomAD no frequency). This variant has not been reported in the literature in individuals affected with SPG11-related conditions. Algorithms developed to predict the effect of missense changes on protein structure and function output the following: SIFT: "Tolerated"; PolyPhen-2: "Benign"; Align-GVGD: "Class C0". The threonine amino acid residue is found in multiple mammalian species, which suggests that this missense change does not adversely affect protein function. In summary, the available evidence is currently insufficient to determine the role of this variant in disease. Therefore, it has been classified as a Variant of Uncertain Significance.

NM_025137.4(SPG11):c.4756G>A (p.Ala1586Thr)

Gene: SPG11 (SPG11 vesicle trafficking associated, spatacsin; minus strand). Cytogenetic location: 15q21.1.
Variant type: single nucleotide variant.
Coding change: c.4756G>A on transcript NM_025137.4 (MANE Select); coding-DNA position 4756, G replaced by A.
Protein change: p.Ala1586Thr; replaces alanine 1586 with threonine.
Molecular consequence: missense variant.
Genome position (GRCh38, 1-based): chr15:44,589,402, C>T on the plus strand (G>A on the coding strand, the complement: SPG11 is on the minus strand). VCF-style: chr15-44589402-C-T. GRCh37 (hg19) VCF-style: chr15-44881600-C-T.
Other names: c.4756G>A, p.Ala1586Thr (NM_001160227.2, NM_001411132.1); short protein forms A1586T.
Identifiers: ClinVar variation 1899270 (VCV001899270.2), dbSNP rs2505325721, ClinGen allele CA392224491.